The following is an entry in ClinVar:

ClinVar aggregate classification (germline): Uncertain significance (1 of 4 stars; one submission).

Conditions:
Hereditary cancer-predisposing syndrome. Also called: Tumor predisposition; Hereditary neoplastic syndrome; Hereditary Cancer Syndrome; Neoplastic Syndromes, Hereditary. Identifiers: Orphanet 140162, MedGen C0027672, MeSH D009386, MONDO:0015356.

Submission:

Ambry Genetics
Classification: Uncertain significance for Hereditary cancer-predisposing syndrome. Last evaluated: 2023-10-13. Review status: criteria provided, single submitter. Criteria: Ambry Variant Classification Scheme 2023. Collection method: clinical testing. Allele origin: germline.
Comment: The p.S139R variant (also known as c.415A>C), located in coding exon 3 of the XRCC2 gene, results from an A to C substitution at nucleotide position 415. The serine at codon 139 is replaced by arginine, an amino acid with dissimilar properties. This amino acid position is conserved. In addition, this alteration is predicted to be tolerated by in silico analysis. Since supporting evidence is limited at this time, the clinical significance of this alteration remains unclear.

NM_005431.2(XRCC2):c.415A>C (p.Ser139Arg)

Gene: XRCC2 (X-ray repair cross complementing 2; minus strand). Cytogenetic location: 7q36.1.
Variant type: single nucleotide variant.
Coding change: c.415A>C on transcript NM_005431.2 (MANE Select); coding-DNA position 415, A replaced by C.
Protein change: p.Ser139Arg; replaces serine 139 with arginine.
Molecular consequence: missense variant.
Genome position (GRCh38, 1-based): chr7:152,649,070, T>G on the plus strand (A>C on the coding strand, the complement: XRCC2 is on the minus strand). VCF-style: chr7-152649070-T-G. GRCh37 (hg19) VCF-style: chr7-152346155-T-G.
Other names: short protein forms S139R.
Identifiers: ClinVar variation 3224674 (VCV003224674.1), dbSNP rs2485881377, ClinGen allele CA370198748.